The following is an entry in ClinVar:

ClinVar aggregate classification (germline): Likely benign. Review status: criteria provided, multiple submitters, no conflicts (2 of 4 stars). 5 submissions from 5 submitters: Likely benign (5). Last evaluated 2025-09-16.

Conditions:
Adams-Oliver syndrome 5 (AOS5). Identifiers: Orphanet 974, MedGen C4014970, MONDO:0014459, OMIM 616028.
Familial thoracic aortic aneurysm and aortic dissection (TAAD). Also called: Thoracic aortic aneurysms and dissections. Identifiers: Orphanet 91387, MedGen C4707243, MONDO:0019625.

Allele frequency attached by ClinVar (database versions not stated): gnomAD 0.00001; gnomAD exomes 0.00001 and 0.00003; TOPMed 0.00002; 1000 Genomes Project 30x 0.00016; 1000 Genomes Project 0.00020.

Submissions (5):

Labcorp Genetics (formerly Invitae), Labcorp
Classification: Likely benign for Adams-Oliver syndrome 5. Last evaluated: 2025-09-16. Review status: criteria provided, single submitter. Criteria: Invitae Variant Classification Sherloc (09022015). Collection method: clinical testing. Allele origin: germline.

Ambry Genetics
Classification: Likely benign for Familial thoracic aortic aneurysm and aortic dissection. Last evaluated: 2023-10-12. Review status: criteria provided, single submitter. Criteria: Ambry Variant Classification Scheme 2023. Collection method: clinical testing. Allele origin: germline.

Women's Health and Genetics/Laboratory Corporation of America, LabCorp
Classification: Likely benign. Last evaluated: 2023-07-29. Review status: criteria provided, single submitter. Criteria: LabCorp Variant Classification Summary - May 2015. Collection method: clinical testing. Allele origin: germline.

CHEO Genetics Diagnostic Laboratory, Children's Hospital of Eastern Ontario
Classification: Likely benign for Familial thoracic aortic aneurysm and aortic dissection. Last evaluated: 2022-09-15. Review status: criteria provided, single submitter. Criteria: ACMG Guidelines, 2015. Collection method: clinical testing. Allele origin: germline.

GeneDx
Classification: Likely benign. Last evaluated: 2018-01-29. Review status: criteria provided, single submitter. Criteria: GeneDx Variant Classification (06012015). Collection method: clinical testing. Allele origin: germline. Affected: yes.
Comment: This variant is considered likely benign or benign based on one or more of the following criteria: it is a conservative change, it occurs at a poorly conserved position in the protein, it is predicted to be benign by multiple in silico algorithms, and/or has population frequency not consistent with disease.

Literature cited by the submitters: PubMed 24943832 (cited by Women's Health and Genetics/Laboratory Corporation of America, LabCorp); PubMed 16614245 (cited by Women's Health and Genetics/Laboratory Corporation of America, LabCorp); PubMed 21670202 (cited by Women's Health and Genetics/Laboratory Corporation of America, LabCorp); PubMed 22210878 (cited by Women's Health and Genetics/Laboratory Corporation of America, LabCorp); PubMed 19635999 (cited by Women's Health and Genetics/Laboratory Corporation of America, LabCorp); PubMed 26837699 (cited by Women's Health and Genetics/Laboratory Corporation of America, LabCorp); PubMed 23086750 (cited by Women's Health and Genetics/Laboratory Corporation of America, LabCorp); PubMed 19245433 (cited by Women's Health and Genetics/Laboratory Corporation of America, LabCorp); PubMed 22077063 (cited by Women's Health and Genetics/Laboratory Corporation of America, LabCorp); PubMed 15472075 (cited by Women's Health and Genetics/Laboratory Corporation of America, LabCorp); PubMed 23734977 (cited by Women's Health and Genetics/Laboratory Corporation of America, LabCorp); PubMed 22858860 (cited by Women's Health and Genetics/Laboratory Corporation of America, LabCorp).

NM_017617.5(NOTCH1):c.6768G>A (p.Ala2256=)

Gene: NOTCH1 (notch receptor 1; minus strand). Cytogenetic location: 9q34.3.
Variant type: single nucleotide variant.
Coding change: c.6768G>A on transcript NM_017617.5 (MANE Select); coding-DNA position 6768, G replaced by A.
Protein change: p.Ala2256=; no amino-acid change (alanine 2256 retained).
Molecular consequence: synonymous variant.
Genome position (GRCh38, 1-based): chr9:136,496,971, C>T on the plus strand (G>A on the coding strand, the complement: NOTCH1 is on the minus strand). VCF-style: chr9-136496971-C-T. GRCh37 (hg19) VCF-style: chr9-139391423-C-T.
Other names: c.6768G>A, p.Ala2256= (LRG_1122t1); c.6768G>A (NM_017617.4).
Identifiers: ClinVar variation 514974 (VCV000514974.8), dbSNP rs575575412, ClinGen allele CA201633514.